The following is an entry in ClinVar:

NM_020894.4(UVSSA):c.1048-10C>T

Gene: UVSSA (UV stimulated scaffold protein A; plus strand). Cytogenetic location: 4p16.3.
Variant type: single nucleotide variant.
Coding change: c.1048-10C>T on transcript NM_020894.4 (MANE Select); 10 bases into the intron before coding-DNA position 1048, C replaced by T.
Molecular consequence: intron variant.
Genome position (GRCh38, 1-based): chr4:1,355,107, C>T. VCF-style: chr4-1355107-C-T. GRCh37 (hg19) VCF-style: chr4-1348895-C-T.
Other names: c.1048-10C>T (NM_001317935.2, NM_001317934.2).
Identifiers: ClinVar variation 3034387 (VCV003034387.2), dbSNP rs200149945, ClinGen allele CA2805927.
Genomic context (GRCh38, chr4:1,355,107, plus strand): 5'-CCTCCCAGCAGGACAGCTTCCCAGGTCCTGCCCGGCCGGCCCCTGAGCTGTTCGCACCCC[C>T]GTTTCGCAGCGCTTCACCCGCGTCGGGACCCACGGTGGATGTTTAAAGCGTGCCATTGAC-3'

ClinVar aggregate classification (germline): Likely benign (0 of 4 stars; one submission).

Conditions:
UVSSA-related disorder. Also called: UVSSA-related condition.

Allele frequency attached by ClinVar (database versions not stated): 1000 Genomes Project 30x 0.00031; 1000 Genomes Project 0.00040; gnomAD 0.00096; ESP Exome Variant Server 0.00108; TOPMed 0.00116; ExAC 0.00121.
gnomAD v4.1: 2,072 of 1,613,192 alleles (0.13%); highest among the groups gnomAD compares: Non-Finnish European, 0.16%; 1 homozygote.

Submission:

PreventionGenetics, part of Exact Sciences
Classification: Likely benign for UVSSA-related condition. Last evaluated: 2021-01-26. Review status: no assertion criteria provided. Collection method: clinical testing. Allele origin: germline.
Comment: This variant is classified as likely benign based on ACMG/AMP sequence variant interpretation guidelines (Richards et al. 2015 PMID: 25741868, with internal and published modifications).